The following is an entry in ClinVar:

ClinVar aggregate classification (germline): Uncertain significance. Review status: criteria provided, multiple submitters, no conflicts (2 of 4 stars). 2 submissions from 2 submitters: Uncertain significance (2). Last evaluated 2025-12-07.

Conditions:
Charcot-Marie-Tooth disease type 2. Also called: Charcot-Marie-Tooth type 2. Identifiers: Orphanet 64746, MedGen C0270914, MONDO:0018993.

Allele frequency attached by ClinVar (database versions not stated): gnomAD exomes below 0.00001; gnomAD 0.00001; TOPMed below 0.00001.
gnomAD v4.1: 4 of 1,614,062 alleles (0.00025%); highest among the groups gnomAD compares: Non-Finnish European, 0.00034%; no homozygotes.

Submissions (2):

Ambry Genetics
Classification: Uncertain significance. Last evaluated: 2025-12-07. Review status: criteria provided, single submitter. Criteria: Ambry Variant Classification Scheme 2023. Collection method: clinical testing. Allele origin: germline.
Comment: The p.Q712R variant (also known as c.2135A>G), located in coding exon 21 of the KIF1B gene, results from an A to G substitution at nucleotide position 2135. The glutamine at codon 712 is replaced by arginine, an amino acid with highly similar properties. This amino acid position is highly conserved in available vertebrate species. In addition, this alteration is predicted to be deleterious by in silico analysis. Since supporting evidence is limited at this time, the clinical significance of this alteration remains unclear.

Labcorp Genetics (formerly Invitae), Labcorp
Classification: Uncertain significance for Charcot-Marie-Tooth disease type 2. Last evaluated: 2024-03-15. Review status: criteria provided, single submitter. Criteria: Invitae Variant Classification Sherloc (09022015). Collection method: clinical testing. Allele origin: germline.
Comment: This sequence change replaces glutamine, which is neutral and polar, with arginine, which is basic and polar, at codon 712 of the KIF1B protein (p.Gln712Arg). This variant is present in population databases (no rsID available, gnomAD 0.002%). This variant has not been reported in the literature in individuals affected with KIF1B-related conditions. ClinVar contains an entry for this variant (Variation ID: 1786463). Advanced modeling of protein sequence and biophysical properties (such as structural, functional, and spatial information, amino acid conservation, physicochemical variation, residue mobility, and thermodynamic stability) performed at Invitae indicates that this missense variant is not expected to disrupt KIF1B protein function with a negative predictive value of 80%. In summary, the available evidence is currently insufficient to determine the role of this variant in disease. Therefore, it has been classified as a Variant of Uncertain Significance.

NM_001365951.3(KIF1B):c.2273A>G (p.Gln758Arg)

Gene: KIF1B (kinesin family member 1B; plus strand). Cytogenetic location: 1p36.22.
Variant type: single nucleotide variant.
Coding change: c.2273A>G on transcript NM_001365951.3 (MANE Select); coding-DNA position 2273, A replaced by G.
Protein change: p.Gln758Arg; replaces glutamine 758 with arginine.
Molecular consequence: missense variant.
Genome position (GRCh38, 1-based): chr1:10,321,772, A>G. VCF-style: chr1-10321772-A-G. GRCh37 (hg19) VCF-style: chr1-10381830-A-G.
Other names: c.2273A>G, p.Gln758Arg (NM_001365952.1); c.2135A>G, p.Gln712Arg (NM_015074.3); short protein forms Q758R, Q712R.
Identifiers: ClinVar variation 1786463 (VCV001786463.6), dbSNP rs1279494000, ClinGen allele CA338332828.
Genomic context (GRCh38, chr1:10,321,772, plus strand): 5'-CTTGGACACAGCATGAATTTGAGTTGGCCCAATGGGCCTTCCGGAAATGGAAGTCTCATC[A>G]GTTTACTTCATTACGGGACTTACTCTGGGGCAATGCCGTGTACCTAAAGGAGGCCAATGC-3'
Protein context (NP_001352880.1, residues 748-768): QWAFRKWKSH[Gln758Arg]FTSLRDLLWG